The following is an entry in ClinVar:

NM_024496.4(IRF2BPL):c.1333T>C (p.Cys445Arg)

Gene: IRF2BPL (interferon regulatory factor 2 binding protein like; minus strand). Cytogenetic location: 14q24.3.
Variant type: single nucleotide variant.
Coding change: c.1333T>C on transcript NM_024496.4 (MANE Select); coding-DNA position 1333, T replaced by C.
Protein change: p.Cys445Arg; replaces cysteine 445 with arginine.
Molecular consequence: missense variant.
Genome position (GRCh38, 1-based): chr14:77,026,460, A>G on the plus strand (T>C on the coding strand, the complement: IRF2BPL is on the minus strand). VCF-style: chr14-77026460-A-G. GRCh37 (hg19) VCF-style: chr14-77492803-A-G.
Other names: short protein forms C445R.
Identifiers: ClinVar variation 3375136 (VCV003375136.1).

ClinVar aggregate classification (germline): Uncertain significance (1 of 4 stars; one submission).

Submission:

Women's Health and Genetics/Laboratory Corporation of America, LabCorp
Classification: Uncertain significance. Last evaluated: 2024-09-02. Review status: criteria provided, single submitter. Criteria: LabCorp Variant Classification Summary - May 2015. Collection method: clinical testing. Allele origin: germline.
Comment: Variant summary: IRF2BPL c.1333T>C (p.Cys445Arg) results in a non-conservative amino acid change in the encoded protein sequence. Four of five in-silico tools predict a damaging effect of the variant on protein function. The variant was absent in 250408 control chromosomes. The available data on variant occurrences in the general population are insufficient to allow any conclusion about variant significance. To our knowledge, no occurrence of c.1333T>C in individuals affected with Neurodevelopmental Disorder With Regression, Abnormal Movements, Loss Of Speech, And Seizures and no experimental evidence demonstrating its impact on protein function have been reported. No submitters have cited clinical-significance assessments for this variant to ClinVar. Based on the evidence outlined above, the variant was classified as uncertain significance.